The following is an entry in ClinVar:

NM_000166.6(GJB1):c.808G>A (p.Gly270Arg)

Gene: GJB1 (gap junction protein beta 1; plus strand). Cytogenetic location: Xq13.1.
Variant type: single nucleotide variant.
Coding change: c.808G>A on transcript NM_000166.6 (MANE Select); coding-DNA position 808, G replaced by A.
Protein change: p.Gly270Arg; replaces glycine 270 with arginine.
Molecular consequence: missense variant.
Genome position (GRCh38, 1-based): chrX:71,224,515, G>A. VCF-style: chrX-71224515-G-A. GRCh37 (hg19) VCF-style: chrX-70444365-G-A.
Other names: c.808G>A, p.Gly270Arg (NM_001097642.3); short protein forms G270R.
Identifiers: ClinVar variation 1038829 (VCV001038829.7), dbSNP rs1244231648, ClinGen allele CA413504227.
Genomic context (GRCh38, chrX:71,224,515, plus strand): 5'-AAGCTGCTGAGTGAGCAGGATGGCTCCCTGAAAGACATACTGCGCCGCAGCCCTGGCACC[G>A]GGGCTGGGCTGGCTGAAAAGAGCGACCGCTGCTCGGCCTGCTGATGCCACATACCAGGCA-3'
Protein context (NP_000157.1, residues 260-280): KDILRRSPGT[Gly270Arg]AGLAEKSDRC

ClinVar aggregate classification (germline): Uncertain significance. Review status: criteria provided, multiple submitters, no conflicts (2 of 4 stars). 2 submissions from 2 submitters: Uncertain significance (2). Last evaluated 2024-05-22.

Conditions:
Charcot-Marie-Tooth Neuropathy X. Identifiers: MedGen CN118851.
Charcot-Marie-Tooth disease X-linked dominant 1. Also called: X-linked Charcot-Marie-Tooth disease type 1; GJB1 Disorders: Charcot-Marie-Tooth Neuropathy (CMT1X) and Central Nervous System Phenotypes; HEREDITARY MOTOR AND SENSORY NEUROPATHY, X-LINKED; HMSN, X-LINKED; CHARCOT-MARIE-TOOTH NEUROPATHY, X-LINKED, 1; CHARCOT-MARIE-TOOTH PERONEAL MUSCULAR ATROPHY, X-LINKED. Identifiers: Orphanet 101075, MedGen C0393808, MONDO:0010549, OMIM 302800.

Allele frequency attached by ClinVar (database versions not stated): gnomAD 0.00001; gnomAD exomes 0.00001.
gnomAD v4.1: 5 of 1,193,785 alleles (0.00042%); highest among the groups gnomAD compares: Non-Finnish European, 0.00056%; no homozygotes.

Submissions (2):

Revvity Omics, Revvity
Classification: Uncertain significance for Charcot-Marie-Tooth disease X-linked dominant 1. Last evaluated: 2024-05-22. Review status: criteria provided, single submitter. Criteria: ACMG Guidelines, 2015. Collection method: clinical testing. Allele origin: germline.

Labcorp Genetics (formerly Invitae), Labcorp
Classification: Uncertain significance for Charcot-Marie-Tooth Neuropathy X. Last evaluated: 2022-02-11. Review status: criteria provided, single submitter. Criteria: Invitae Variant Classification Sherloc (09022015). Collection method: clinical testing. Allele origin: germline.
Comment: This sequence change replaces glycine, which is neutral and non-polar, with arginine, which is basic and polar, at codon 270 of the GJB1 protein (p.Gly270Arg). The frequency data for this variant in the population databases is considered unreliable, as metrics indicate poor data quality at this position in the gnomAD database. This variant has not been reported in the literature in individuals affected with GJB1-related conditions. ClinVar contains an entry for this variant (Variation ID: 1038829). Algorithms developed to predict the effect of missense changes on protein structure and function are either unavailable or do not agree on the potential impact of this missense change (SIFT: "Deleterious"; PolyPhen-2: "Benign"; Align-GVGD: "Class C0"). In summary, the available evidence is currently insufficient to determine the role of this variant in disease. Therefore, it has been classified as a Variant of Uncertain Significance.